The following is an entry in ClinVar:

ClinVar aggregate classification (germline): Conflicting classifications of pathogenicity. Review status: criteria provided, conflicting classifications (1 of 4 stars). 2 submissions from 2 submitters: Uncertain significance (1); Likely benign (1). Last evaluated 2025-01-22.

Conditions:
Dilated cardiomyopathy 1W (CMD1W). Identifiers: Orphanet 154, MedGen C1969639, MONDO:0012667, OMIM 611407.
Cardiovascular phenotype. Identifiers: MedGen CN230736.

Allele frequency attached by ClinVar (database versions not stated): TOPMed below 0.00001; gnomAD 0.00003 and 0.00004; ESP Exome Variant Server 0.00008.
gnomAD v4.1: 5 of 1,614,098 alleles (0.00031%); highest among the groups gnomAD compares: African/African-American, 0.0067%; no homozygotes.

Submissions (2):

Ambry Genetics
Classification: Likely benign for Cardiovascular phenotype. Last evaluated: 2025-01-22. Review status: criteria provided, single submitter. Criteria: Ambry Variant Classification Scheme 2023. Collection method: clinical testing. Allele origin: germline.

Labcorp Genetics (formerly Invitae), Labcorp
Classification: Uncertain significance for Dilated cardiomyopathy 1W. Last evaluated: 2024-08-14. Review status: criteria provided, single submitter. Criteria: Invitae Variant Classification Sherloc (09022015). Collection method: clinical testing. Allele origin: germline.
Comment: This sequence change replaces alanine, which is neutral and non-polar, with valine, which is neutral and non-polar, at codon 921 of the VCL protein (p.Ala921Val). This variant is not present in population databases (gnomAD no frequency). This variant has not been reported in the literature in individuals affected with VCL-related conditions. ClinVar contains an entry for this variant (Variation ID: 1007928). An algorithm developed to predict the effect of missense changes on protein structure and function (PolyPhen-2) suggests that this variant is likely to be tolerated. In summary, the available evidence is currently insufficient to determine the role of this variant in disease. Therefore, it has been classified as a Variant of Uncertain Significance.

NM_014000.3(VCL):c.2762C>T (p.Ala921Val)

Gene: VCL (vinculin; plus strand). Cytogenetic location: 10q22.2.
Variant type: single nucleotide variant.
Coding change: c.2762C>T on transcript NM_014000.3 (MANE Select); coding-DNA position 2762, C replaced by T.
Protein change: p.Ala921Val; replaces alanine 921 with valine.
Molecular consequence: missense variant. On other transcripts: intron variant (1).
Genome position (GRCh38, 1-based): chr10:74,111,925, C>T. VCF-style: chr10-74111925-C-T. GRCh37 (hg19) VCF-style: chr10-75871683-C-T.
Other names: c.2746-2259C>T (NM_003373.4); c.2762C>T (NM_014000.2); short protein forms A921V.
Identifiers: ClinVar variation 1007928 (VCV001007928.10), dbSNP rs375254227, ClinGen allele CA209697694.
Genomic context (GRCh38, chr10:74,111,925, plus strand): 5'-ACTAACACTATCCCTATTTCTCATCCTTCCCGCCATCGACAAAGCCGGGCATCCCAGCCG[C>T]TGAGGTGGGTATAGGTGTTGTAGCTGAGGCAGATGCGGCCGATGCTGCTGGCTTCCCTGT-3'
Protein context (NP_054706.1, residues 911-931): KWSSKPGIPA[Ala921Val]EVGIGVVAEA